The following is an entry in ClinVar:

NM_058216.3(RAD51C):c.19C>T (p.Arg7Cys)

Gene: RAD51C (RAD51 paralog C; plus strand). Cytogenetic location: 17q22.
Variant type: single nucleotide variant.
Coding change: c.19C>T on transcript NM_058216.3 (MANE Select); coding-DNA position 19, C replaced by T.
Protein change: p.Arg7Cys; replaces arginine 7 with cysteine.
Molecular consequence: missense variant. On other transcripts: non-coding transcript variant (2).
Genome position (GRCh38, 1-based): chr17:58,692,662, C>T. VCF-style: chr17-58692662-C-T. GRCh37 (hg19) VCF-style: chr17-56770023-C-T.
Other names: c.19C>T, p.Arg7Cys (NM_002876.4); short protein forms R7C.
Identifiers: ClinVar variation 478608 (VCV000478608.20), dbSNP rs759759863, ClinGen allele CA400336236.

ClinVar aggregate classification (germline): Conflicting classifications of pathogenicity. Review status: criteria provided, conflicting classifications (1 of 4 stars). 3 submissions from 3 submitters: Uncertain significance (2); Benign (1). Last evaluated 2026-01-19.

Conditions:
Hereditary cancer-predisposing syndrome. Also called: Tumor predisposition; Neoplastic Syndromes, Hereditary; Hereditary Cancer Syndrome; Hereditary neoplastic syndrome. Identifiers: Orphanet 140162, MedGen C0027672, MeSH D009386, MONDO:0015356.
Fanconi anemia complementation group O. Also called: RAD51C-Related Fanconi Anemia. Identifiers: Orphanet 84, MedGen C3150653, MONDO:0013248, OMIM 613390.

Submissions (3):

Labcorp Genetics (formerly Invitae), Labcorp
Classification: Uncertain significance for Fanconi anemia complementation group O. Last evaluated: 2026-01-19. Review status: criteria provided, single submitter. Criteria: Invitae Variant Classification Sherloc (09022015). Collection method: clinical testing. Allele origin: germline.
Comment: This sequence change replaces arginine, which is basic and polar, with cysteine, which is neutral and slightly polar, at codon 7 of the RAD51C protein (p.Arg7Cys). This variant is present in population databases (no rsID available, gnomAD 0.003%). This variant has not been reported in the literature in individuals affected with RAD51C-related conditions. ClinVar contains an entry for this variant (Variation ID: 478608). An algorithm developed to predict the effect of missense changes on protein structure and function outputs the following: PolyPhen-2: "Benign". The cysteine amino acid residue is found in multiple mammalian species, which suggests that this missense change does not adversely affect protein function. In summary, the available evidence is currently insufficient to determine the role of this variant in disease. Therefore, it has been classified as a Variant of Uncertain Significance.

Ambry Genetics
Classification: Benign for Hereditary cancer-predisposing syndrome. Last evaluated: 2025-10-17. Review status: criteria provided, single submitter. Criteria: Ambry Variant Classification Scheme 2023. Collection method: clinical testing. Allele origin: germline.

Color Diagnostics, LLC DBA Color Health
Classification: Uncertain significance for Hereditary cancer-predisposing syndrome. Last evaluated: 2019-03-07. Review status: criteria provided, single submitter. Criteria: ACMG Guidelines, 2015. Collection method: clinical testing. Allele origin: germline.